The following is an entry in ClinVar:

ClinVar aggregate classification (germline): Pathogenic. Review status: criteria provided, multiple submitters, no conflicts (2 of 4 stars). 2 submissions from 2 submitters: Pathogenic (2). Last evaluated 2025-10-25.

Conditions:
Autosomal recessive limb-girdle muscular dystrophy type 2Y (MRRSDC). Also called: Muscular dystrophy, limb-girdle, type 2y; Muscular dystrophy, autosomal recessive, with rigid spine and distal joint contractures. Identifiers: Orphanet 424261, MedGen C4511482, MONDO:0014900, OMIM 617072.

Allele frequency attached by ClinVar (database versions not stated): ExAC 0.00001; gnomAD 0.00001; gnomAD exomes 0.00001 and 0.00002; TOPMed 0.00003.
gnomAD v4.1: 31 of 1,601,760 alleles (0.0019%); highest among the groups gnomAD compares: African/African-American, 0.004%; no homozygotes.

Submissions (2):

Labcorp Genetics (formerly Invitae), Labcorp
Classification: Pathogenic for Autosomal recessive limb-girdle muscular dystrophy type 2Y. Last evaluated: 2025-10-25. Review status: criteria provided, single submitter. Criteria: Invitae Variant Classification Sherloc (09022015). Collection method: clinical testing. Allele origin: germline.
Comment: This sequence change creates a premature translational stop signal (p.Glu217*) in the TOR1AIP1 gene. It is expected to result in an absent or disrupted protein product. Loss-of-function variants in TOR1AIP1 are known to be pathogenic (PMID: 24856141, 27342937). This variant is present in population databases (rs778326858, gnomAD 0.007%). This premature translational stop signal has been observed in individual(s) with TOR1AIP1-associated disorders (PMID: 32055997). ClinVar contains an entry for this variant (Variation ID: 660593). For these reasons, this variant has been classified as Pathogenic.

GeneDx
Classification: Pathogenic. Last evaluated: 2025-03-19. Review status: criteria provided, single submitter. Criteria: GeneDx Variant Classification Process June 2021. Collection method: clinical testing. Allele origin: germline. Affected: yes.
Comment: Nonsense variant predicted to result in protein truncation or nonsense mediated decay in a gene for which loss of function is a known mechanism of disease; Not observed at significant frequency in large population cohorts (gnomAD); This variant is associated with the following publications: (PMID: 32055997)

Literature cited by the submitters: PubMed 24856141 (cited by Labcorp Genetics (formerly Invitae), Labcorp); PubMed 27342937 (cited by Labcorp Genetics (formerly Invitae), Labcorp); PubMed 32055997 (cited by Labcorp Genetics (formerly Invitae), Labcorp).

NM_015602.4(TOR1AIP1):c.646G>T (p.Glu216Ter)

Gene: TOR1AIP1 (torsin 1A interacting protein 1; plus strand). Cytogenetic location: 1q25.2.
Variant type: single nucleotide variant.
Coding change: c.646G>T on transcript NM_015602.4 (MANE Select); coding-DNA position 646, G replaced by T.
Protein change: p.Glu216Ter; replaces glutamic acid 216 with a stop codon.
Molecular consequence: nonsense.
Genome position (GRCh38, 1-based): chr1:179,900,161, G>T. VCF-style: chr1-179900161-G-T. GRCh37 (hg19) VCF-style: chr1-179869296-G-T.
Other names: c.649G>T, p.Glu217Ter (NM_001267578.2); short protein forms E216*, E217*.
Identifiers: ClinVar variation 660593 (VCV000660593.9), dbSNP rs778326858, ClinGen allele CA1268881.